The following is an entry in ClinVar:

NC_000017.10:g.(41209153_41215349)_(41219713_41222944)del

Gene: BRCA1 (BRCA1 DNA repair associated; minus strand). Cytogenetic location: 17q21.31.
Variant type: Deletion.
Identifiers: ClinVar variation 2504041 (VCV002504041.1).

ClinVar aggregate classification (germline): Pathogenic (1 of 4 stars; one submission).

Conditions:
Hereditary breast ovarian cancer syndrome. Also called: BRCA1- and BRCA2-Associated Hereditary Breast and Ovarian Cancer; Hereditary breast and ovarian cancer syndrome (HBOC); Breast and ovarian cancer; Hereditary breast and ovarian cancer syndrome; Hereditary breast and/or ovarian cancer syndrome; Hereditary breast and ovarian cancer. Identifiers: Orphanet 145, MedGen C0677776, MeSH D061325, MONDO:0003582. Disease mechanism: loss of function.

Submission:

Women's Health and Genetics/Laboratory Corporation of America, LabCorp
Classification: Pathogenic for Hereditary breast ovarian cancer syndrome. Last evaluated: 2023-04-17. Review status: criteria provided, single submitter. Criteria: LabCorp Variant Classification Summary - May 2015. Collection method: clinical testing. Allele origin: germline.
Comment: Variant summary: The variant identified by MLPA or other technology involves the deletion of exons 16-18 in the BRCA1 gene. A presumed nomenclature of c.(4986+1_4987-1)_(5193+1_5194-1)del has been designated for the purposes of this classification. Although exact breakpoints of this deletion are not known, it is expected to result in a large in-frame deletion change in the BRCA1 gene, a known mechanism of disease. Both missense and in-frame deletion variants within this region have been classified as pathogenic by our lab, and this deletion is also predicted to disrupt the BRCT domain (IPR001357) of the encoded protein. The variant was absent in 21670 control chromosomes (gnomAD, Structural Variants database). Deletion of exons 16-18 (also described as exons 17-19 using alternate exon numbering) has been reported in the literature in multiple individuals affected with Hereditary Breast And Ovarian Cancer Syndrome (e.g. Carter_2018, Rebbeck_2018). One clinical diagnostic laboratory has submitted clinical-significance assessments for this variant to ClinVar after 2014 and classified the variant as pathogenic. Based on the evidence outlined above, the variant was classified as pathogenic.

Literature cited by the submitters: PubMed 29446198; PubMed 30322717.